The following is an entry in ClinVar:

ClinVar aggregate classification (germline): Conflicting classifications of pathogenicity. Review status: criteria provided, conflicting classifications (1 of 4 stars). 4 submissions from 4 submitters: Uncertain significance (1); Likely benign (3). Last evaluated 2026-02-03.

Conditions:
Hereditary hemochromatosis (HFE). Identifiers: MedGen C0392514, MONDO:0006507. Disease mechanism: loss of function.
Hemochromatosis type 1 (HFE1). Also called: HFE-Associated Hereditary Hemochromatosis; HFE-Related Hemochromatosis. Identifiers: Orphanet 465508, MedGen C3469186, MONDO:0021001, OMIM 235200. Disease mechanism: loss of function.

Allele frequency attached by ClinVar (database versions not stated): ESP Exome Variant Server 0.00031; TOPMed 0.00053; 1000 Genomes Project 0.00060; gnomAD 0.00068; ExAC 0.00082; gnomAD exomes 0.00086 and 0.00090.

Submissions (4):

Labcorp Genetics (formerly Invitae), Labcorp
Classification: Likely benign for Hereditary hemochromatosis. Last evaluated: 2026-02-03. Review status: criteria provided, single submitter. Criteria: Invitae Variant Classification Sherloc (09022015). Collection method: clinical testing. Allele origin: germline.

Mayo Clinic Laboratories, Mayo Clinic
Classification: Likely benign. Last evaluated: 2025-02-24. Review status: criteria provided, single submitter. Criteria: ACMG Guidelines, 2015. Collection method: clinical testing. Allele origin: germline. Observed: 1 variant allele.
Comment: BS1, BS2, BP7

Blueprint Genetics
Classification: Likely benign. Last evaluated: 2024-11-21. Review status: criteria provided, single submitter. Criteria: ACMG Guidelines, 2015. Collection method: clinical testing. Allele origin: germline.

Illumina Laboratory Services, Illumina
Classification: Uncertain significance for Hemochromatosis type 1. Last evaluated: 2017-04-27. Review status: criteria provided, single submitter. Criteria: ICSL Variant Classification Criteria 13 December 2019. Collection method: clinical testing. Allele origin: germline.
Comment: This variant was observed as part of a predisposition screen in an ostensibly healthy population. A literature search was performed for the gene, cDNA change, and amino acid change (where applicable). Publications were found based on this search. However, the evidence from the literature, in combination with allele frequency data from public databases where available, was not sufficient to rule this variant in or out of causing disease. Therefore, this variant is classified as a variant of unknown significance.

Literature cited by the submitters: PubMed 27667161 (cited by Illumina Laboratory Services, Illumina).

NM_000410.4(HFE):c.1006+14A>G

Gene: HFE (homeostatic iron regulator; plus strand). Cytogenetic location: 6p22.2.
Variant type: single nucleotide variant.
Coding change: c.1006+14A>G on transcript NM_000410.4 (MANE Select); 14 bases into the intron after coding-DNA position 1006, A replaced by G.
Molecular consequence: intron variant.
Genome position (GRCh38, 1-based): chr6:26,093,246, A>G. VCF-style: chr6-26093246-A-G. GRCh37 (hg19) VCF-style: chr6-26093474-A-G.
Other names: p.?; c.997+14A>G (NM_001406751.1); c.1006+14A>G (NM_001384164.1, NM_001300749.3); c.964+14A>G (NM_139006.3); c.730+14A>G (NM_139004.3); c.688+14A>G (NM_139003.3); c.937+14A>G (NM_139009.3); c.742+14A>G (NM_139007.3, NM_001406752.1); and 3 more.
Identifiers: ClinVar variation 904395 (VCV000904395.15), dbSNP rs201262562, ClinGen allele CA3666798.